The following is an entry in ClinVar:

NM_005228.5(EGFR):c.802A>T (p.Met268Leu)

Gene: EGFR (epidermal growth factor receptor; plus strand). Cytogenetic location: 7p11.2.
Variant type: single nucleotide variant.
Coding change: c.802A>T on transcript NM_005228.5 (MANE Select); coding-DNA position 802, A replaced by T.
Protein change: p.Met268Leu; replaces methionine 268 with leucine.
Molecular consequence: missense variant. On other transcripts: intron variant (1).
Genome position (GRCh38, 1-based): chr7:55,154,065, A>T. VCF-style: chr7-55154065-A-T. GRCh37 (hg19) VCF-style: chr7-55221758-A-T.
Other names: c.667A>T, p.Met223Leu (NM_001346897.2, NM_001346899.2); c.802A>T, p.Met268Leu (NM_001346898.2, NM_201282.2, NM_201283.2 and 1 more transcripts); c.643A>T, p.Met215Leu (NM_001346900.2); c.89-1765A>T (NM_001346941.2); short protein forms M215L, M223L, M268L.
Identifiers: ClinVar variation 3899321 (VCV003899321.1).

ClinVar aggregate classification (germline): Uncertain significance (1 of 4 stars; one submission).

Conditions:
Hereditary cancer-predisposing syndrome. Also called: Neoplastic Syndromes, Hereditary; Tumor predisposition; Hereditary Cancer Syndrome; Hereditary neoplastic syndrome. Identifiers: Orphanet 140162, MedGen C0027672, MeSH D009386, MONDO:0015356.

Submission:

Unidad de Genética Molecular HGU Elche, Hospital General Universitario de Elche
Classification: Uncertain significance for Hereditary cancer-predisposing syndrome. Last evaluated: 2025-05-05. Review status: criteria provided, single submitter. Criteria: ACMG Guidelines, 2015. Collection method: clinical testing. Allele origin: germline. Affected: yes.
Comment: PM2 strong; PP2 strong; BP4 moderate